The following is an entry in ClinVar:

NM_001330700.2(TOP2B):c.41G>C (p.Gly14Ala)

Genes: TOP2B (DNA topoisomerase II beta; minus strand), LOC129936375 (ATAC-STARR-seq lymphoblastoid silent region 14146; plus strand). Cytogenetic location: 3p24.2.
Variant type: single nucleotide variant.
Coding change: c.41G>C on transcript NM_001330700.2 (MANE Select); coding-DNA position 41, G replaced by C.
Protein change: p.Gly14Ala; replaces glycine 14 with alanine.
Molecular consequence: missense variant.
Genome position (GRCh38, 1-based): chr3:25,664,257, C>G on the plus strand (G>C on the coding strand, the complement: TOP2B is on the minus strand). VCF-style: chr3-25664257-C-G. GRCh37 (hg19) VCF-style: chr3-25705748-C-G.
Other names: c.41G>C, p.Gly14Ala (NM_001068.3); short protein forms G14A.
Identifiers: ClinVar variation 1364597 (VCV001364597.9), dbSNP rs2125416949, ClinGen allele CA351887433.

ClinVar aggregate classification (germline): Uncertain significance. Review status: criteria provided, multiple submitters, no conflicts (2 of 4 stars). 2 submissions from 2 submitters: Uncertain significance (2). Last evaluated 2025-08-11.

Allele frequency attached by ClinVar (database versions not stated): gnomAD exomes below 0.00001.
gnomAD v4.1: 1 of 1,537,672 alleles (0.000065%); highest among the groups gnomAD compares: Non-Finnish European, 0.000087%; no homozygotes.

Submissions (2):

Labcorp Genetics (formerly Invitae), Labcorp
Classification: Uncertain significance. Last evaluated: 2025-08-11. Review status: criteria provided, single submitter. Criteria: Invitae Variant Classification Sherloc (09022015). Collection method: clinical testing. Allele origin: germline.
Comment: This sequence change replaces glycine, which is neutral and non-polar, with alanine, which is neutral and non-polar, at codon 14 of the TOP2B protein (p.Gly14Ala). This variant is not present in population databases (gnomAD no frequency). This variant has not been reported in the literature in individuals affected with TOP2B-related conditions. ClinVar contains an entry for this variant (Variation ID: 1364597). An algorithm developed to predict the effect of missense changes on protein structure and function (PolyPhen-2) suggests that this variant is likely to be tolerated. In summary, the available evidence is currently insufficient to determine the role of this variant in disease. Therefore, it has been classified as a Variant of Uncertain Significance.

Breakthrough Genomics
Classification: Uncertain significance. Review status: criteria provided, single submitter. Criteria: ACMG Guidelines, 2015. Collection method: not provided. Allele origin: germline. Inheritance: Autosomal dominant inheritance. Affected: yes.